The following is an entry in ClinVar:

ClinVar aggregate classification (germline): Uncertain significance. Review status: criteria provided, multiple submitters, no conflicts (2 of 4 stars). 2 submissions from 2 submitters: Uncertain significance (2). Last evaluated 2025-01-19.

Conditions:
Inborn genetic diseases. Identifiers: MedGen C0950123, MeSH D030342.

gnomAD v4.1: 37 of 1,613,414 alleles (0.0023%); highest among the groups gnomAD compares: African/African-American, 0.0094%; no homozygotes.

Submissions (2):

Ambry Genetics
Classification: Uncertain significance for Inborn genetic diseases. Last evaluated: 2025-01-19. Review status: criteria provided, single submitter. Criteria: Ambry Variant Classification Scheme 2023. Collection method: clinical testing. Allele origin: germline.

Labcorp Genetics (formerly Invitae), Labcorp
Classification: Uncertain significance. Last evaluated: 2024-10-30. Review status: criteria provided, single submitter. Criteria: Invitae Variant Classification Sherloc (09022015). Collection method: clinical testing. Allele origin: germline.
Comment: This sequence change replaces arginine, which is basic and polar, with glutamine, which is neutral and polar, at codon 104 of the TRIP4 protein (p.Arg104Gln). This variant is present in population databases (rs758074126, gnomAD 0.02%). This variant has not been reported in the literature in individuals affected with TRIP4-related conditions. Invitae Evidence Modeling of protein sequence and biophysical properties (such as structural, functional, and spatial information, amino acid conservation, physicochemical variation, residue mobility, and thermodynamic stability) indicates that this missense variant is not expected to disrupt TRIP4 protein function with a negative predictive value of 80%. Algorithms developed to predict the effect of sequence changes on RNA splicing suggest that this variant may disrupt the consensus splice site. In summary, the available evidence is currently insufficient to determine the role of this variant in disease. Therefore, it has been classified as a Variant of Uncertain Significance.

NM_016213.5(TRIP4):c.311G>A (p.Arg104Gln)

Gene: TRIP4 (thyroid hormone receptor interactor 4; plus strand). Cytogenetic location: 15q22.31.
Variant type: single nucleotide variant.
Coding change: c.311G>A on transcript NM_016213.5 (MANE Select); coding-DNA position 311, G replaced by A.
Protein change: p.Arg104Gln; replaces arginine 104 with glutamine.
Molecular consequence: missense variant. On other transcripts: 5 prime UTR variant (1), non-coding transcript variant (1).
Genome position (GRCh38, 1-based): chr15:64,395,437, G>A. VCF-style: chr15-64395437-G-A. GRCh37 (hg19) VCF-style: chr15-64687636-G-A.
Other names: c.-380G>A (NM_001321924.2); c.311G>A (NM_016213.4); short protein forms R104Q.
Identifiers: ClinVar variation 3694269 (VCV003694269.2).
Genomic context (GRCh38, chr15:64,395,437, plus strand): 5'-TTTTTTTTTCTATCTTTAAAGAAATTTTAGATGGGCAGAAATCAGGCGACCATCTAAAGC[G>A]GGGTAGGAAGAAAGGGAGAAACAGACAGGAAGTTCCTGCATTTACTGAACCTGACACGAC-3'
Protein context (NP_057297.2, residues 94-114): DGQKSGDHLK[Arg104Gln]GRKKGRNRQE